The following is an entry in ClinVar:

ClinVar aggregate classification (germline): Uncertain significance (1 of 4 stars; one submission).

Conditions:
Inborn genetic diseases. Identifiers: MedGen C0950123, MeSH D030342.

Submission:

Ambry Genetics
Classification: Uncertain significance for Inborn genetic diseases. Last evaluated: 2025-01-23. Review status: criteria provided, single submitter. Criteria: Ambry Variant Classification Scheme 2023. Collection method: clinical testing. Allele origin: germline.
Comment: The p.G750V variant (also known as c.2249G>T), located in coding exon 14 of the PIK3CA gene, results from a G to T substitution at nucleotide position 2249. The glycine at codon 750 is replaced by valine, an amino acid with dissimilar properties. This amino acid position is conserved. In addition, the in silico prediction for this alteration is inconclusive. Based on the available evidence, the clinical significance of this variant remains unclear.

NM_006218.4(PIK3CA):c.2249G>T (p.Gly750Val)

Gene: PIK3CA (phosphatidylinositol-4,5-bisphosphate 3-kinase catalytic subunit alpha; plus strand). Cytogenetic location: 3q26.32.
Variant type: single nucleotide variant.
Coding change: c.2249G>T on transcript NM_006218.4 (MANE Select); coding-DNA position 2249, G replaced by T.
Protein change: p.Gly750Val; replaces glycine 750 with valine.
Molecular consequence: missense variant.
Genome position (GRCh38, 1-based): chr3:179,224,142, G>T. VCF-style: chr3-179224142-G-T. GRCh37 (hg19) VCF-style: chr3-178941930-G-T.
Other names: short protein forms G750V.
Identifiers: ClinVar variation 3888943 (VCV003888943.1).